The following is an entry in ClinVar:

NM_002386.4(MC1R):c.245T>C (p.Leu82Ser)

Gene: MC1R (melanocortin 1 receptor; plus strand). Cytogenetic location: 16q24.3.
Variant type: single nucleotide variant.
Coding change: c.245T>C on transcript NM_002386.4 (MANE Select); coding-DNA position 245, T replaced by C.
Protein change: p.Leu82Ser; replaces leucine 82 with serine.
Molecular consequence: missense variant.
Genome position (GRCh38, 1-based): chr16:89,919,503, T>C. VCF-style: chr16-89919503-T-C. GRCh37 (hg19) VCF-style: chr16-89985911-T-C.
Other names: short protein forms L82S.
Identifiers: ClinVar variation 4052420 (VCV004052420.1).
Genomic context (GRCh38, chr16:89,919,503, plus strand): 5'-CCATCGCCAAGAACCGGAACCTGCACTCACCCATGTACTGCTTCATCTGCTGCCTGGCCT[T>C]GTCGGACCTGCTGGTGAGCGGGAGCAACGTGCTGGAGACGGCCGTCATCCTCCTGCTGGA-3'
Protein context (NP_002377.4, residues 72-92): PMYCFICCLA[Leu82Ser]SDLLVSGSNV

ClinVar aggregate classification (germline): Uncertain significance (1 of 4 stars; one submission).

Submission:

Ambry Genetics
Classification: Uncertain significance. Last evaluated: 2025-04-19. Review status: criteria provided, single submitter. Criteria: Ambry Variant Classification Scheme 2023. Collection method: clinical testing. Allele origin: germline.
Comment: The p.L82S variant (also known as c.245T>C), located in coding exon 1 of the MC1R gene, results from a T to C substitution at nucleotide position 245. The leucine at codon 82 is replaced by serine, an amino acid with dissimilar properties. This amino acid position is conserved. In addition, this alteration is predicted to be tolerated by in silico analysis. Based on the available evidence, the clinical significance of this variant remains unclear.